The following is an entry in ClinVar:

NM_001080453.3(INTS1):c.4159G>C (p.Glu1387Gln)

Gene: INTS1 (integrator complex subunit 1; minus strand). Cytogenetic location: 7p22.3.
Variant type: single nucleotide variant.
Coding change: c.4159G>C on transcript NM_001080453.3 (MANE Select); coding-DNA position 4159, G replaced by C.
Protein change: p.Glu1387Gln; replaces glutamic acid 1387 with glutamine.
Molecular consequence: missense variant.
Genome position (GRCh38, 1-based): chr7:1,479,600, C>G on the plus strand (G>C on the coding strand, the complement: INTS1 is on the minus strand). VCF-style: chr7-1479600-C-G. GRCh37 (hg19) VCF-style: chr7-1519236-C-G.
Other names: c.676G>C, p.Glu226Gln (NM_015674.1); short protein forms E1387Q, E226Q.
Identifiers: ClinVar variation 2336214 (VCV002336214.4), dbSNP rs767012416, ClinGen allele CA4118955.

ClinVar aggregate classification (germline): Uncertain significance. Review status: criteria provided, multiple submitters, no conflicts (2 of 4 stars). 2 submissions from 2 submitters: Uncertain significance (2). Last evaluated 2025-01-24.

Conditions:
Inborn genetic diseases. Identifiers: MedGen C0950123, MeSH D030342.

Allele frequency attached by ClinVar (database versions not stated): gnomAD exomes 0.00002; TOPMed 0.00003; gnomAD 0.00006.
gnomAD v4.1: 39 of 1,537,002 alleles (0.0025%); highest among the groups gnomAD compares: Non-Finnish European, 0.0032%; no homozygotes.

Submissions (2):

Ambry Genetics
Classification: Uncertain significance for Inborn genetic diseases. Last evaluated: 2025-01-24. Review status: criteria provided, single submitter. Criteria: Ambry Variant Classification Scheme 2023. Collection method: clinical testing. Allele origin: germline.

GeneDx
Classification: Uncertain significance. Last evaluated: 2024-03-14. Review status: criteria provided, single submitter. Criteria: GeneDx Variant Classification Process June 2021. Collection method: clinical testing. Allele origin: germline. Affected: yes.
Comment: In silico analysis supports that this missense variant does not alter protein structure/function; Has not been previously published as pathogenic or benign to our knowledge